The following is an entry in ClinVar:

NM_000166.6(GJB1):c.300C>G (p.His100Gln)

Gene: GJB1 (gap junction protein beta 1; plus strand). Cytogenetic location: Xq13.1.
Variant type: single nucleotide variant.
Coding change: c.300C>G on transcript NM_000166.6 (MANE Select); coding-DNA position 300, C replaced by G.
Protein change: p.His100Gln; replaces histidine 100 with glutamine.
Molecular consequence: missense variant.
Genome position (GRCh38, 1-based): chrX:71,224,007, C>G. VCF-style: chrX-71224007-C-G. GRCh37 (hg19) VCF-style: chrX-70443857-C-G.
Other names: c.300C>G, p.His100Gln (NM_001097642.3); short protein forms H100Q.
Identifiers: ClinVar variation 637609 (VCV000637609.8), dbSNP rs1602349137, ClinGen allele CA413501835.

ClinVar aggregate classification (germline): Likely pathogenic. Review status: criteria provided, single submitter (1 of 4 stars). 2 submissions from 2 submitters: Likely pathogenic (1). 1 of the submissions does not count toward it. Last evaluated 2021-06-01.

Conditions:
Charcot-Marie-Tooth Neuropathy X. Identifiers: MedGen CN118851.
Charcot-Marie-Tooth disease. Also called: Charcot-Marie-Tooth Hereditary Neuropathy; Charcot-Marie-Tooth Neuropathy. Identifiers: Orphanet 166, MedGen C0007959, MONDO:0015626.

Submissions (2):

Labcorp Genetics (formerly Invitae), Labcorp
Classification: Likely pathogenic for Charcot-Marie-Tooth Neuropathy X. Last evaluated: 2021-06-01. Review status: criteria provided, single submitter. Criteria: Invitae Variant Classification Sherloc (09022015). Collection method: clinical testing. Allele origin: germline.
Comment: In summary, the currently available evidence indicates that the variant is pathogenic, but additional data are needed to prove that conclusively. Therefore, this variant has been classified as Likely Pathogenic. This sequence change replaces histidine with glutamine at codon 100 of the GJB1 protein (p.His100Gln). The histidine residue is highly conserved and there is a small physicochemical difference between histidine and glutamine. This variant is not present in population databases (ExAC no frequency). This variant has been observed in individual(s) with Charcot–Marie–Tooth disease (PMID: 24768312). In at least one individual the variant was observed to be de novo. ClinVar contains an entry for this variant (Variation ID: 637609). Algorithms developed to predict the effect of missense changes on protein structure and function are either unavailable or do not agree on the potential impact of this missense change (SIFT: "Deleterious"; PolyPhen-2: "Possibly Damaging"; Align-GVGD: "Class C15"). This variant disrupts the p.His100 amino acid residue in GJB1. Other variant(s) that disrupt this residue have been determined to be pathogenic (PMID: 20730878, 9452099). This suggests that this residue is clinically significant, and that variants that disrupt this residue are likely to be disease-causing.

Inherited Neuropathy Consortium
Classification: Uncertain significance for Charcot-Marie-Tooth disease. Review status: no assertion criteria provided. Collection method: literature only. Allele origin: germline. Affected: yes. Not counted in ClinVar's aggregate classification.

Literature cited by the submitters: PubMed 24768312 (cited by Labcorp Genetics (formerly Invitae), Labcorp and Inherited Neuropathy Consortium); PubMed 20730878 (cited by Labcorp Genetics (formerly Invitae), Labcorp); PubMed 9452099 (cited by Labcorp Genetics (formerly Invitae), Labcorp).